The following is an entry in ClinVar:

ClinVar aggregate classification (germline): Uncertain significance (0 of 4 stars; one submission).

Conditions:
KIDINS220-related disorder. Also called: KIDINS220-related condition.

Submission:

PreventionGenetics, part of Exact Sciences
Classification: Uncertain significance for KIDINS220-related condition. Last evaluated: 2024-09-25. Review status: no assertion criteria provided. Collection method: clinical testing. Allele origin: germline.
Comment: The KIDINS220 c.3529-3T>A variant is predicted to interfere with splicing. To our knowledge, this variant has not been reported in the literature or in a large population database, indicating this variant is rare. At this time, the clinical significance of this variant is uncertain due to the absence of conclusive functional and genetic evidence.

NM_020738.4(KIDINS220):c.3529-3T>A

Gene: KIDINS220 (kinase D interacting substrate 220; minus strand). Cytogenetic location: 2p25.1.
Variant type: single nucleotide variant.
Coding change: c.3529-3T>A on transcript NM_020738.4 (MANE Select); 3 bases into the intron before coding-DNA position 3529, T replaced by A.
Molecular consequence: intron variant.
Genome position (GRCh38, 1-based): chr2:8,747,204, A>T on the plus strand (T>A on the coding strand, the complement: KIDINS220 is on the minus strand). VCF-style: chr2-8747204-A-T. GRCh37 (hg19) VCF-style: chr2-8887334-A-T.
Other names: c.3414+2908T>A (NM_001348741.2, NM_001348742.2, NM_001348743.2 and 1 more transcripts); c.3528+683T>A (NM_001348738.2, NM_001348732.2); c.3417+2908T>A (NM_001348739.2, NM_001348740.2, NM_001348734.2); c.3531+683T>A (NM_001348731.2); c.3532-3T>A (NM_001348729.2); c.3288+2908T>A (NM_001348736.2).
Identifiers: ClinVar variation 3358211 (VCV003358211.1).